The following is an entry in ClinVar:

ClinVar aggregate classification (germline): Uncertain significance (1 of 4 stars; one submission).

Submission:

Labcorp Genetics (formerly Invitae), Labcorp
Classification: Uncertain significance. Last evaluated: 2024-05-20. Review status: criteria provided, single submitter. Criteria: Invitae Variant Classification Sherloc (09022015). Collection method: clinical testing. Allele origin: germline.
Comment: This sequence change replaces glutamine, which is neutral and polar, with arginine, which is basic and polar, at codon 1902 of the MYH7B protein (p.Gln1902Arg). This variant is not present in population databases (gnomAD no frequency). This variant has not been reported in the literature in individuals affected with MYH7B-related conditions. An algorithm developed to predict the effect of missense changes on protein structure and function (PolyPhen-2) suggests that this variant is likely to be disruptive. Algorithms developed to predict the effect of sequence changes on RNA splicing suggest that this variant may disrupt the consensus splice site. In summary, the available evidence is currently insufficient to determine the role of this variant in disease. Therefore, it has been classified as a Variant of Uncertain Significance.

NM_020884.7(MYH7B):c.5579A>G (p.Gln1860Arg)

Gene: MYH7B (myosin heavy chain 7B; plus strand). Cytogenetic location: 20q11.22.
Variant type: single nucleotide variant.
Coding change: c.5579A>G on transcript NM_020884.7 (MANE Select); coding-DNA position 5579, A replaced by G.
Protein change: p.Gln1860Arg; replaces glutamine 1860 with arginine.
Molecular consequence: missense variant.
Genome position (GRCh38, 1-based): chr20:35,001,348, A>G. VCF-style: chr20-35001348-A-G. GRCh37 (hg19) VCF-style: chr20-33589151-A-G.
Other names: short protein forms Q1860R.
Identifiers: ClinVar variation 2819432 (VCV002819432.3), dbSNP rs2519245507, ClinGen allele CA408719782.